The following is an entry in ClinVar:

NM_001354604.2(MITF):c.104+54808T>C

Gene: MITF (melanocyte inducing transcription factor; plus strand). Cytogenetic location: 3p13.
Variant type: single nucleotide variant.
Coding change: c.104+54808T>C on transcript NM_001354604.2 (MANE Select); 54808 bases into the intron after coding-DNA position 104, T replaced by C.
Molecular consequence: intron variant. On other transcripts: missense variant (1).
Genome position (GRCh38, 1-based): chr3:69,794,509, T>C. VCF-style: chr3-69794509-T-C. GRCh37 (hg19) VCF-style: chr3-69843660-T-C.
Other names: c.47T>C, p.Met16Thr (NM_001354607.2); c.-91-44085T>C (NM_001354608.2); c.104+54808T>C (NM_198159.3, NM_001354605.2, NM_001354606.2); c.-53+30817T>C (NM_001184967.2); c.101+30567T>C (NM_006722.3); short protein forms M16T.
Identifiers: ClinVar variation 2631055 (VCV002631055.1), dbSNP rs150321715, ClinGen allele CA1373385865.

ClinVar aggregate classification (germline): Uncertain significance (1 of 4 stars; one submission).

Conditions:
MITF-related disorder. Also called: MITF-related condition.

Allele frequency attached by ClinVar (database versions not stated): 1000 Genomes Project 30x 0.00016.
gnomAD v4.1: 1 of 152,308 alleles (0.00066%); highest among the groups gnomAD compares: African/African-American, 0.0024%; no homozygotes.

Submission:

PreventionGenetics, part of Exact Sciences
Classification: Uncertain significance for MITF-related condition. Last evaluated: 2023-08-18. Review status: criteria provided, single submitter. Criteria: ACMG Guidelines, 2015. Collection method: clinical testing. Allele origin: germline.
Comment: The MITF c.47T>C variant is predicted to result in the amino acid substitution p.Met16Thr. This variant occurs in the precoding region of the primary transcript for this gene (NM_000248.4:c.-142214T>C). To our knowledge, this variant has not been reported in the literature or in a large population database, indicating this variant is rare. At this time, the clinical significance of this variant is uncertain due to the absence of conclusive functional and genetic evidence.